The following is an entry in ClinVar:

ClinVar aggregate classification (germline): Likely benign. Review status: criteria provided, multiple submitters, no conflicts (2 of 4 stars). 2 submissions from 2 submitters: Likely benign (2). Last evaluated 2025-12-30.

Conditions:
Facioscapulohumeral muscular dystrophy 2 (FSHD2). Also called: MUSCULAR DYSTROPHY, FACIOSCAPULOHUMERAL, TYPE 1B; FACIOSCAPULOHUMERAL MUSCULAR DYSTROPHY 2, DIGENIC; FSHD2, DIGENIC. Identifiers: Orphanet 269, MedGen C1834671, MONDO:0008031, OMIM 158901.

Allele frequency attached by ClinVar (database versions not stated): gnomAD exomes below 0.00001.
gnomAD v4.1: 2 of 1,576,456 alleles (0.00013%); highest among the groups gnomAD compares: Non-Finnish European, 0.00017%; no homozygotes.

Submissions (2):

Labcorp Genetics (formerly Invitae), Labcorp
Classification: Likely benign for Facioscapulohumeral muscular dystrophy 2. Last evaluated: 2025-12-30. Review status: criteria provided, single submitter. Criteria: Invitae Variant Classification Sherloc (09022015). Collection method: clinical testing. Allele origin: germline.

CeGaT Center for Human Genetics Tuebingen
Classification: Likely benign. Last evaluated: 2022-10-01. Review status: criteria provided, single submitter. Criteria: CeGaT Center For Human Genetics Tuebingen Variant Classification Criteria Version 2. Collection method: clinical testing. Allele origin: germline. Affected: yes. Observed: 1 variant allele.
Comment: SMCHD1: PM2:Supporting, BP4, BP7

NM_015295.3(SMCHD1):c.4254T>G (p.Ser1418=)

Gene: SMCHD1 (structural maintenance of chromosomes flexible hinge domain containing 1; plus strand). Cytogenetic location: 18p11.32.
Variant type: single nucleotide variant.
Coding change: c.4254T>G on transcript NM_015295.3 (MANE Select); coding-DNA position 4254, T replaced by G.
Protein change: p.Ser1418=; no amino-acid change (serine 1418 retained).
Molecular consequence: synonymous variant.
Genome position (GRCh38, 1-based): chr18:2,751,366, T>G. VCF-style: chr18-2751366-T-G. GRCh37 (hg19) VCF-style: chr18-2751364-T-G.
Identifiers: ClinVar variation 1879391 (VCV001879391.30), dbSNP rs879600498, ClinGen allele CA295479734.